The following is an entry in ClinVar:

ClinVar aggregate classification (germline): Uncertain significance. Review status: criteria provided, multiple submitters, no conflicts (2 of 4 stars). 2 submissions from 2 submitters: Uncertain significance (2). Last evaluated 2024-09-16.

Conditions:
Hereditary spastic paraplegia 39 (SPG39). Also called: Spastic Paraplegia Type 39 (SPG39); SPASTIC PARAPLEGIA 39, AUTOSOMAL RECESSIVE. Identifiers: Orphanet 139480, MedGen C2677586, MONDO:0012787, OMIM 612020.

Allele frequency attached by ClinVar (database versions not stated): gnomAD exomes below 0.00001.
gnomAD v4.1: 3 of 1,613,118 alleles (0.00019%); highest among the groups gnomAD compares: South Asian, 0.0011%; no homozygotes.

Submissions (2):

Labcorp Genetics (formerly Invitae), Labcorp
Classification: Uncertain significance for Hereditary spastic paraplegia 39. Last evaluated: 2024-09-16. Review status: criteria provided, single submitter. Criteria: Invitae Variant Classification Sherloc (09022015). Collection method: clinical testing. Allele origin: germline.
Comment: This sequence change replaces arginine, which is basic and polar, with cysteine, which is neutral and slightly polar, at codon 451 of the PNPLA6 protein (p.Arg451Cys). This variant is present in population databases (no rsID available, gnomAD 0.0009%). This variant has not been reported in the literature in individuals affected with PNPLA6-related conditions. ClinVar contains an entry for this variant (Variation ID: 849145). Invitae Evidence Modeling of protein sequence and biophysical properties (such as structural, functional, and spatial information, amino acid conservation, physicochemical variation, residue mobility, and thermodynamic stability) has been performed for this missense variant. However, the output from this modeling did not meet the statistical confidence thresholds required to predict the impact of this variant on PNPLA6 protein function. In summary, the available evidence is currently insufficient to determine the role of this variant in disease. Therefore, it has been classified as a Variant of Uncertain Significance.

Blueprint Genetics
Classification: Uncertain significance. Last evaluated: 2021-02-04. Review status: criteria provided, single submitter. Criteria: ACMG Guidelines, 2015. Collection method: clinical testing. Allele origin: germline.

NM_001166114.2(PNPLA6):c.1468C>T (p.Arg490Cys)

Gene: PNPLA6 (patatin like domain 6, lysophospholipase; plus strand). Cytogenetic location: 19p13.2.
Variant type: single nucleotide variant.
Coding change: c.1468C>T on transcript NM_001166114.2 (MANE Select); coding-DNA position 1468, C replaced by T.
Protein change: p.Arg490Cys; replaces arginine 490 with cysteine.
Molecular consequence: missense variant.
Genome position (GRCh38, 1-based): chr19:7,542,866, C>T. VCF-style: chr19-7542866-C-T. GRCh37 (hg19) VCF-style: chr19-7607752-C-T.
Other names: c.1495C>T, p.Arg499Cys (NM_001166111.2); c.1351C>T, p.Arg451Cys (NM_001166112.2, NM_001166113.1, NM_006702.5); short protein forms R490C, R499C, R451C.
Identifiers: ClinVar variation 849145 (VCV000849145.10), dbSNP rs1458269938, ClinGen allele CA403113795.